The following is an entry in ClinVar:

ClinVar aggregate classification (germline): Uncertain significance (1 of 4 stars; one submission).

Conditions:
Christianson syndrome (MRXSCH). Also called: X-linked mental retardation, syndromic, Christianson type; SLC9A6-Related Syndromic Mental Retardation; INTELLECTUAL DEVELOPMENTAL DISORDER, X-LINKED, SYNDROMIC, CHRISTIANSON TYPE. Identifiers: Orphanet 85278, MedGen C2678194, MONDO:0010278, OMIM 300243.

gnomAD v4.1: 1 of 1,210,181 alleles (0.000083%); highest among the groups gnomAD compares: Admixed American, 0.0022%; no homozygotes.

Submissions (2):

Labcorp Genetics (formerly Invitae), Labcorp
Classification: Uncertain significance for Christianson syndrome. Last evaluated: 2025-07-03. Review status: criteria provided, single submitter. Criteria: Invitae Variant Classification Sherloc (09022015). Collection method: clinical testing. Allele origin: germline.
Comment: This sequence change replaces alanine, which is neutral and non-polar, with serine, which is neutral and polar, at codon 569 of the SLC9A6 protein (p.Ala569Ser). The frequency data for this variant in the population databases is considered unreliable, as metrics indicate poor data quality at this position in the gnomAD database. This variant has not been reported in the literature in individuals affected with SLC9A6-related conditions. Invitae Evidence Modeling of protein sequence and biophysical properties (such as structural, functional, and spatial information, amino acid conservation, physicochemical variation, residue mobility, and thermodynamic stability) indicates that this missense variant is not expected to disrupt SLC9A6 protein function with a negative predictive value of 80%. In summary, the available evidence is currently insufficient to determine the role of this variant in disease. Therefore, it has been classified as a Variant of Uncertain Significance.

Dr. Peter K. Rogan Lab, Western University
No classification provided (evidence only). Condition: Thyroid cancer, nonmedullary, 1. Review status: no classification provided. Collection method: in vitro. Allele origin: not applicable. Functional consequence: retained intron. Not counted in ClinVar's aggregate classification.

NM_001379110.1(SLC9A6):c.1735G>T (p.Ala579Ser)

Gene: SLC9A6 (solute carrier family 9 member A6; plus strand). Cytogenetic location: Xq26.3.
Variant type: single nucleotide variant.
Coding change: c.1735G>T on transcript NM_001379110.1 (MANE Select); coding-DNA position 1735, G replaced by T.
Protein change: p.Ala579Ser; replaces alanine 579 with serine.
Molecular consequence: missense variant.
Genome position (GRCh38, 1-based): chrX:136,040,149, G>T. VCF-style: chrX-136040149-G-T. GRCh37 (hg19) VCF-style: chrX-135122308-G-T.
Other names: NC_000023.10:g.135122308G>T; c.1801G>T, p.Ala601Ser (NM_001042537.2); c.1645G>T, p.Ala549Ser (NM_001177651.2, NM_001400909.1, NM_001400910.1 and 2 more transcripts); c.1549G>T, p.Ala517Ser (NM_001330652.2, NM_001400913.1); c.1891G>T, p.Ala631Ser (NM_001438742.1); c.1705G>T, p.Ala569Ser (NM_006359.3); short protein forms A517S, A549S, A569S, A579S, A601S, A631S.
Identifiers: ClinVar variation 4472977 (VCV004472977.2).